The following is an entry in ClinVar:

ClinVar aggregate classification (germline): Uncertain significance (1 of 4 stars; one submission).

Allele frequency attached by ClinVar (database versions not stated): ExAC 0.00001; gnomAD exomes 0.00001; TOPMed 0.00002.
gnomAD v4.1: 12 of 1,559,302 alleles (0.00077%); highest among the groups gnomAD compares: Admixed American, 0.021%; no homozygotes.

Submission:

Labcorp Genetics (formerly Invitae), Labcorp
Classification: Uncertain significance. Last evaluated: 2025-06-30. Review status: criteria provided, single submitter. Criteria: Invitae Variant Classification Sherloc (09022015). Collection method: clinical testing. Allele origin: germline.
Comment: This sequence change replaces aspartic acid, which is acidic and polar, with valine, which is neutral and non-polar, at codon 423 of the GUCY2C protein (p.Asp423Val). This variant is present in population databases (rs748939303, gnomAD 0.03%). This variant has not been reported in the literature in individuals affected with GUCY2C-related conditions. ClinVar contains an entry for this variant (Variation ID: 2066764). Invitae Evidence Modeling of protein sequence and biophysical properties (such as structural, functional, and spatial information, amino acid conservation, physicochemical variation, residue mobility, and thermodynamic stability) has been performed for this missense variant. However, the output from this modeling did not meet the statistical confidence thresholds required to predict the impact of this variant on GUCY2C protein function. In summary, the available evidence is currently insufficient to determine the role of this variant in disease. Therefore, it has been classified as a Variant of Uncertain Significance.

NM_004963.4(GUCY2C):c.1268A>T (p.Asp423Val)

Genes: GUCY2C (guanylate cyclase 2C; minus strand), GUCY2C-AS1 (GUCY2C antisense RNA 1; plus strand). Cytogenetic location: 12p12.3.
Variant type: single nucleotide variant.
Coding change: c.1268A>T on transcript NM_004963.4 (MANE Select); coding-DNA position 1268, A replaced by T.
Protein change: p.Asp423Val; replaces aspartic acid 423 with valine.
Molecular consequence: missense variant.
Genome position (GRCh38, 1-based): chr12:14,669,736, T>A on the plus strand (A>T on the coding strand, the complement: GUCY2C is on the minus strand). VCF-style: chr12-14669736-T-A. GRCh37 (hg19) VCF-style: chr12-14822670-T-A.
Other names: short protein forms D423V.
Identifiers: ClinVar variation 2066764 (VCV002066764.4), dbSNP rs748939303, ClinGen allele CA6463489.
Genomic context (GRCh38, chr12:14,669,736, plus strand): 5'-CAGGAAAACAGTGTCAGGGAGAGAAAATTCATTAGGGATATCTTACCCCGGCCTGTAATA[T>A]CATTAGGAAGTTTAGAGTTCTTCCAAGTGAATGTGGGGCTCATATCCACAGGATAGGTCT-3'
Protein context (NP_004954.2, residues 413-433): FTWKNSKLPN[Asp423Val]ITGRGPQILM